The following is an entry in ClinVar:

ClinVar aggregate classification (germline): Uncertain significance. Review status: criteria provided, multiple submitters, no conflicts (2 of 4 stars). 2 submissions from 2 submitters: Uncertain significance (2). Last evaluated 2023-11-02.

gnomAD v4.1: 2 of 1,538,664 alleles (0.00013%); highest among the groups gnomAD compares: South Asian, 0.0011%; no homozygotes.

Submissions (2):

Blueprint Genetics
Classification: Uncertain significance. Last evaluated: 2023-11-02. Review status: criteria provided, single submitter. Criteria: ACMG Guidelines, 2015. Collection method: clinical testing. Allele origin: germline.

Labcorp Genetics (formerly Invitae), Labcorp
Classification: Uncertain significance. Last evaluated: 2023-10-03. Review status: criteria provided, single submitter. Criteria: Invitae Variant Classification Sherloc (09022015). Collection method: clinical testing. Allele origin: germline.
Comment: This sequence change replaces alanine, which is neutral and non-polar, with valine, which is neutral and non-polar, at codon 936 of the OPA1 protein (p.Ala936Val). This variant is not present in population databases (gnomAD no frequency). This variant has not been reported in the literature in individuals affected with OPA1-related conditions. Advanced modeling of protein sequence and biophysical properties (such as structural, functional, and spatial information, amino acid conservation, physicochemical variation, residue mobility, and thermodynamic stability) performed at Invitae indicates that this missense variant is not expected to disrupt OPA1 protein function. In summary, the available evidence is currently insufficient to determine the role of this variant in disease. Therefore, it has been classified as a Variant of Uncertain Significance.

NM_130837.3(OPA1):c.2972C>T (p.Ala991Val)

Gene: OPA1 (OPA1 mitochondrial dynamin like GTPase; plus strand). Cytogenetic location: 3q29.
Variant type: single nucleotide variant.
Coding change: c.2972C>T on transcript NM_130837.3 (MANE Select); coding-DNA position 2972, C replaced by T.
Protein change: p.Ala991Val; replaces alanine 991 with valine.
Molecular consequence: missense variant.
Genome position (GRCh38, 1-based): chr3:193,667,269, C>T. VCF-style: chr3-193667269-C-T. GRCh37 (hg19) VCF-style: chr3-193385058-C-T.
Other names: c.2438C>T, p.Ala813Val (NM_001354663.2); c.2435C>T, p.Ala812Val (NM_001354664.2); c.2807C>T, p.Ala936Val (NM_015560.3); c.2699C>T, p.Ala900Val (NM_130831.3); c.2753C>T, p.Ala918Val (NM_130832.3); c.2810C>T, p.Ala937Val (NM_130833.3); c.2861C>T, p.Ala954Val (NM_130834.3); c.2864C>T, p.Ala955Val (NM_130835.3); and 1 more; short protein forms A937V, A955V, A812V, A918V, A973V, A813V, A936V, A954V.
Identifiers: ClinVar variation 2994343 (VCV002994343.4), dbSNP rs2109278084, ClinGen allele CA355797860.